The following is an entry in ClinVar:

ClinVar aggregate classification (germline): Uncertain significance. Review status: criteria provided, multiple submitters, no conflicts (2 of 4 stars). 2 submissions from 2 submitters: Uncertain significance (2). Last evaluated 2025-08-14.

Conditions:
Juvenile polyposis syndrome (JPS). Identifiers: Orphanet 2929, MedGen C0345893, MONDO:0017380, OMIM 174900.
Familial thoracic aortic aneurysm and aortic dissection (TAAD). Also called: Thoracic aortic aneurysms and dissections. Identifiers: Orphanet 91387, MedGen C4707243, MONDO:0019625.
Hereditary cancer-predisposing syndrome. Also called: Hereditary Cancer Syndrome; Tumor predisposition; Neoplastic Syndromes, Hereditary; Hereditary neoplastic syndrome. Identifiers: Orphanet 140162, MedGen C0027672, MeSH D009386, MONDO:0015356.

Submissions (2):

Labcorp Genetics (formerly Invitae), Labcorp
Classification: Uncertain significance for Juvenile polyposis syndrome. Last evaluated: 2025-08-14. Review status: criteria provided, single submitter. Criteria: Invitae Variant Classification Sherloc (09022015). Collection method: clinical testing. Allele origin: germline.
Comment: This sequence change replaces serine, which is neutral and polar, with tyrosine, which is neutral and polar, at codon 56 of the SMAD4 protein (p.Ser56Tyr). This variant is not present in population databases (gnomAD no frequency). This variant has not been reported in the literature in individuals affected with SMAD4-related conditions. ClinVar contains an entry for this variant (Variation ID: 3238403). Invitae Evidence Modeling of protein sequence and biophysical properties (such as structural, functional, and spatial information, amino acid conservation, physicochemical variation, residue mobility, and thermodynamic stability) has been performed for this missense variant. However, the output from this modeling did not meet the statistical confidence thresholds required to predict the impact of this variant on SMAD4 protein function. In summary, the available evidence is currently insufficient to determine the role of this variant in disease. Therefore, it has been classified as a Variant of Uncertain Significance.

Ambry Genetics
Classification: Uncertain significance for Hereditary cancer-predisposing syndrome; Familial thoracic aortic aneurysm and aortic dissection. Last evaluated: 2023-10-15. Review status: criteria provided, single submitter. Criteria: Ambry Variant Classification Scheme 2023. Collection method: clinical testing. Allele origin: germline.
Comment: The p.S56Y variant (also known as c.167C>A), located in coding exon 1 of the SMAD4 gene, results from a C to A substitution at nucleotide position 167. The serine at codon 56 is replaced by tyrosine, an amino acid with dissimilar properties. This amino acid position is conserved. In addition, this alteration is predicted to be deleterious by in silico analysis. Since supporting evidence is limited at this time, the clinical significance of this alteration remains unclear.

NM_005359.6(SMAD4):c.167C>A (p.Ser56Tyr)

Gene: SMAD4 (SMAD family member 4; plus strand). Cytogenetic location: 18q21.2.
Variant type: single nucleotide variant.
Coding change: c.167C>A on transcript NM_005359.6 (MANE Select); coding-DNA position 167, C replaced by A.
Protein change: p.Ser56Tyr; replaces serine 56 with tyrosine.
Molecular consequence: missense variant. On other transcripts: non-coding transcript variant (2).
Genome position (GRCh38, 1-based): chr18:51,047,213, C>A. VCF-style: chr18-51047213-C-A. GRCh37 (hg19) VCF-style: chr18-48573583-C-A.
Other names: c.167C>A, p.Ser56Tyr (NM_001407041.1, NM_001407042.1, NM_001407043.1); short protein forms S56Y.
Identifiers: ClinVar variation 3238403 (VCV003238403.2), dbSNP rs2144401389.